The following is an entry in ClinVar:

ClinVar aggregate classification (germline): Uncertain significance (1 of 4 stars; one submission).

Conditions:
Inborn genetic diseases. Identifiers: MedGen C0950123, MeSH D030342.

gnomAD v4.1: 3 of 1,612,946 alleles (0.00019%); highest among the groups gnomAD compares: Non-Finnish European, 0.00025%; no homozygotes.

Submission:

Ambry Genetics
Classification: Uncertain significance for Inborn genetic diseases. Last evaluated: 2026-07-01. Review status: criteria provided, single submitter. Criteria: Ambry Variant Classification Scheme 2023. Collection method: clinical testing. Allele origin: germline.
Comment: The p.L202P variant (also known as c.605T>C), located in coding exon 1 of the WT1 gene, results from a T to C substitution at nucleotide position 605. The leucine at codon 202 is replaced by proline, an amino acid with similar properties. This amino acid position is conserved. In addition, this alteration is predicted to be deleterious by in silico analysis. Based on the available evidence, the clinical significance of this variant remains unclear.

NM_024426.6(WT1):c.620T>C (p.Leu207Pro)

Genes: WT1 (WT1 transcription factor; minus strand), LOC107982234 (WT1/WT1-AS bi-directional promoter region; plus strand). Cytogenetic location: 11p13.
Variant type: single nucleotide variant.
Coding change: c.620T>C on transcript NM_024426.6 (MANE Select); coding-DNA position 620, T replaced by C.
Protein change: p.Leu207Pro; replaces leucine 207 with proline.
Molecular consequence: missense variant. On other transcripts: non-coding transcript variant (2).
Genome position (GRCh38, 1-based): chr11:32,434,741, A>G on the plus strand (T>C on the coding strand, the complement: WT1 is on the minus strand). VCF-style: chr11-32434741-A-G. GRCh37 (hg19) VCF-style: chr11-32456287-A-G.
Other names: c.620T>C, p.Leu207Pro (NM_024424.5, NM_000378.6, NM_001407044.1 and 6 more transcripts); c.401T>C, p.Leu134Pro (NM_001429031.1, NM_001429032.1, NM_001429033.1 and 1 more transcripts); short protein forms L134P, L202P, L207P.
Identifiers: ClinVar variation 5032018 (VCV005032018.1).